The following is an entry in ClinVar:

NM_001134363.3(RBM20):c.3147del (p.Lys1050fs)

Gene: RBM20 (RNA binding motif protein 20; plus strand). Cytogenetic location: 10q25.2.
Variant type: Deletion.
Coding change: c.3147del on transcript NM_001134363.3 (MANE Select); coding-DNA position 3147, one base deleted (T; older notation c.3147delT).
Protein change: p.Lys1050fs; shifts the reading frame from lysine 1050.
Molecular consequence: frameshift variant.
Genome position (GRCh38, 1-based): chr10:110,821,766, T deleted. VCF-style (leftmost placement, unchanged base first): chr10-110821765-CT-C. GRCh37 (hg19) VCF-style: chr10-112581523-CT-C.
Other names: short protein forms K1050fs.
Identifiers: ClinVar variation 930180 (VCV000930180.3), dbSNP rs1844915022, ClinGen allele CA1139661687.

ClinVar aggregate classification (germline): Likely pathogenic (1 of 4 stars; one submission).

Conditions:
Dilated cardiomyopathy 1DD (CMD1DD). Identifiers: Orphanet 154, MedGen C2750995, MONDO:0013168, OMIM 613172.

Submission:

Institute of Human Genetics, University of Goettingen
Classification: Likely pathogenic for Dilated cardiomyopathy 1DD. Last evaluated: 2019-12-13. Review status: criteria provided, single submitter. Criteria: ACMG Guidelines, 2015. Collection method: clinical testing. Allele origin: germline. Inheritance: Autosomal dominant inheritance. Affected: yes. Observed: 1 heterozygote.
Comment: The RBM20-variant c.3147delT is classified by our institute as a likely pathogenic variant, as it is not present in any databases (gnomAD / ExAC) and leads to a truncated protein.